The following is an entry in ClinVar:

NM_000059.4(BRCA2):c.2681T>A (p.Val894Glu)

Gene: BRCA2 (BRCA2 DNA repair associated; plus strand). Cytogenetic location: 13q13.1.
Variant type: single nucleotide variant.
Coding change: c.2681T>A on transcript NM_000059.4 (MANE Select); coding-DNA position 2681, T replaced by A.
Protein change: p.Val894Glu; replaces valine 894 with glutamic acid.
Molecular consequence: missense variant. On other transcripts: non-coding transcript variant (1), intron variant (2).
Genome position (GRCh38, 1-based): chr13:32,337,036, T>A. VCF-style: chr13-32337036-T-A. GRCh37 (hg19) VCF-style: chr13-32911173-T-A.
Other names: c.2681T>A, p.Val894Glu (NM_001406719.1, NM_001406720.1, NM_001432077.1); c.1909+3649T>A (NM_001406721.1); c.424+6006T>A (NM_001406722.1); short protein forms V894E.
Identifiers: ClinVar variation 3992750 (VCV003992750.1).

ClinVar aggregate classification (germline): Uncertain significance (1 of 4 stars; one submission).

Conditions:
Hereditary cancer-predisposing syndrome. Also called: Tumor predisposition; Hereditary neoplastic syndrome; Neoplastic Syndromes, Hereditary; Hereditary Cancer Syndrome. Identifiers: Orphanet 140162, MedGen C0027672, MeSH D009386, MONDO:0015356.

Submission:

Ambry Genetics
Classification: Uncertain significance for Hereditary cancer-predisposing syndrome. Last evaluated: 2025-03-15. Review status: criteria provided, single submitter. Criteria: Ambry Variant Classification Scheme 2023. Collection method: clinical testing. Allele origin: germline.
Comment: The p.V894E variant (also known as c.2681T>A), located in coding exon 10 of the BRCA2 gene, results from a T to A substitution at nucleotide position 2681. The valine at codon 894 is replaced by glutamic acid, an amino acid with dissimilar properties. This amino acid position is conserved. In addition, this alteration is predicted to be tolerated by in silico analysis. Based on the available evidence, the clinical significance of this variant remains unclear.